The following is an entry in ClinVar:

NM_020631.6(PLEKHG5):c.1438_1439del (p.Met480fs)

Gene: PLEKHG5 (pleckstrin homology and RhoGEF domain containing G5; minus strand). Cytogenetic location: 1p36.31.
Variant type: Deletion.
Coding change: c.1438_1439del on transcript NM_020631.6 (MANE Select); coding-DNA positions 1438 to 1439, 2 bases deleted (AT; older notation c.1438_1439delAT).
Protein change: p.Met480fs; shifts the reading frame from methionine 480.
Molecular consequence: frameshift variant.
Genome position (GRCh38, 1-based): chr1:6,470,838-6,470,839, AT deleted on the plus strand (AT on the coding strand, the reverse complement: PLEKHG5 is on the minus strand). VCF-style (leftmost placement, unchanged base first): chr1-6470837-CAT-C. GRCh37 (hg19) VCF-style: chr1-6530897-CAT-C.
Other names: c.1438_1439del, p.Met480fs (NM_198681.4); c.1549_1550del, p.Met517fs (NM_001042663.3, NM_001265592.2); c.1438_1439delAT, p.Met480Alafs (NM_001042664.2, NM_001042665.2, NM_001265594.3); c.1645_1646delAT, p.Met549Alafs (NM_001265593.2); short protein forms M480fs, M549fs, M517fs.
Identifiers: ClinVar variation 950561 (VCV000950561.8), dbSNP rs1644550472, ClinGen allele CA1139655927.

ClinVar aggregate classification (germline): Pathogenic (1 of 4 stars; one submission).

Conditions:
Neuronopathy, distal hereditary motor, autosomal recessive 4. Also called: NEUROPATHY, DISTAL HEREDITARY MOTOR, AUTOSOMAL RECESSIVE 4; Autosomal recessive lower motor neuron disease with childhood onset. Identifiers: Orphanet 206580, MedGen C1970211, MONDO:0012608, OMIM 611067.
Charcot-Marie-Tooth disease recessive intermediate C. Also called: CHARCOT-MARIE-TOOTH NEUROPATHY, RECESSIVE INTERMEDIATE C. Identifiers: Orphanet 369867, MedGen C3809309, MONDO:0014154, OMIM 615376.

Submission:

Labcorp Genetics (formerly Invitae), Labcorp
Classification: Pathogenic for Neuronopathy, distal hereditary motor, autosomal recessive 4; Charcot-Marie-Tooth disease recessive intermediate C. Last evaluated: 2019-06-18. Review status: criteria provided, single submitter. Criteria: Invitae Variant Classification Sherloc (09022015). Collection method: clinical testing. Allele origin: germline.
Comment: This sequence change creates a premature translational stop signal (p.Met480Alafs*174) in the PLEKHG5 gene. It is expected to result in an absent or disrupted protein product. For these reasons, this variant has been classified as Pathogenic. Loss-of-function variants in PLEKHG5 are known to be pathogenic (PMID: 17564964, 23777631). This variant has not been reported in the literature in individuals with PLEKHG5-related conditions. This variant is not present in population databases (ExAC no frequency).

Literature cited by the submitters: PubMed 17564964; PubMed 23777631.